The following is an entry in ClinVar:

NM_000540.3(RYR1):c.14345G>A (p.Gly4782Glu)

Gene: RYR1 (ryanodine receptor 1; plus strand). Cytogenetic location: 19q13.2.
Variant type: single nucleotide variant.
Coding change: c.14345G>A on transcript NM_000540.3 (MANE Select); coding-DNA position 14345, G replaced by A.
Protein change: p.Gly4782Glu; replaces glycine 4782 with glutamic acid.
Molecular consequence: missense variant.
Genome position (GRCh38, 1-based): chr19:38,578,185, G>A. VCF-style: chr19-38578185-G-A. GRCh37 (hg19) VCF-style: chr19-39068825-G-A.
Other names: c.14330G>A, p.Gly4777Glu (NM_001042723.2); short protein forms G4777E, G4782E.
Identifiers: ClinVar variation 3075094 (VCV003075094.1), dbSNP rs770184387, ClinGen allele CA405685316.

ClinVar aggregate classification (germline): Uncertain significance (1 of 4 stars; one submission).

Conditions:
Malignant hyperthermia, susceptibility to, 1 (MHS1). Also called: Anesthesia related hyperthermia; Malignant hyperpyrexia; Fulminating hyperpyrexia; Pharmacogenic myopathy; RYR1-Related Malignant Hyperthermia Susceptibility; Malignant hyperthermia suceptibility 1. Identifiers: Orphanet 423, MedGen C2930980, MONDO:0007783, OMIM 145600.

Submission:

All of Us Research Program, National Institutes of Health
Classification: Uncertain significance for Malignant hyperthermia, susceptibility to, 1. Last evaluated: 2023-12-18. Review status: criteria provided, single submitter. Criteria: ACMG Guidelines, 2015. Collection method: clinical testing. Allele origin: germline. Inheritance: Autosomal dominant inheritance. Observed: 1 variant allele, 1 heterozygote.
Comment: This missense variant replaces glycine with glutamic acid at codon 4782 of the RYR1 protein. Computational prediction suggests that this variant may have deleterious impact on protein structure and function (internally defined REVEL score threshold >= 0.7, PMID: 27666373). To our knowledge, functional studies have not been reported for this variant. This variant has not been reported in individuals affected with RYR1-related disorders in the literature. This variant has not been identified in the general population by the Genome Aggregation Database (gnomAD). The available evidence is insufficient to determine the role of this variant in disease conclusively. Therefore, this variant is classified as a Variant of Uncertain Significance.

This study involves interpretation of variants in research participants for the purpose of population health screening. Participant phenotype was not available at the time of variant classification. Additional details can be found in publication PMID: 35346344, PMCID: PMC8962531